The following is an entry in ClinVar:

NM_001164508.2(NEB):c.14323G>T (p.Glu4775Ter)

Gene: NEB (nebulin; minus strand). Cytogenetic location: 2q23.3.
Variant type: single nucleotide variant.
Coding change: c.14323G>T on transcript NM_001164508.2 (MANE Select); coding-DNA position 14323, G replaced by T.
Protein change: p.Glu4775Ter; replaces glutamic acid 4775 with a stop codon.
Molecular consequence: nonsense. On other transcripts: intron variant (1).
Genome position (GRCh38, 1-based): chr2:151,594,201, C>A on the plus strand (G>T on the coding strand, the complement: NEB is on the minus strand). VCF-style: chr2-151594201-C-A. GRCh37 (hg19) VCF-style: chr2-152450715-C-A.
Other names: c.14323G>T, p.Glu4775Ter (NM_001164507.2, NM_001271208.2); c.11601+15608G>T (NM_004543.5); short protein forms E4775*.
Identifiers: ClinVar variation 430109 (VCV000430109.2), dbSNP rs1131691787, ClinGen allele CA348764066.

ClinVar aggregate classification (germline): Likely pathogenic (1 of 4 stars; one submission).

Submission:

GeneDx
Classification: Likely pathogenic. Last evaluated: 2017-05-18. Review status: criteria provided, single submitter. Criteria: GeneDx Variant Classification (06012015). Collection method: clinical testing. Allele origin: germline. Affected: yes.
Comment: A variant that is likely pathogenic has been identified in the NEB gene. The E4775X variant has not been published as a pathogenic variant, nor has it been reported as a benign variant to our knowledge. The E4775X nonsense variant is predicted to cause loss of normal protein function either through protein truncation or nonsense-mediated mRNA decay. Although this variant has not been reported previously to our knowledge, other truncating variants downstream of this position have been reported in the Human Gene Mutation Database in association with NEB-related disorders (Stenson et al., 2014). Therefore, this variant is likely pathogenic; however, the possibility that it is benign cannot be excluded.